The following is an entry in ClinVar:

ClinVar aggregate classification (germline): Uncertain significance (1 of 4 stars; one submission).

Submission:

Labcorp Genetics (formerly Invitae), Labcorp
Classification: Uncertain significance. Last evaluated: 2024-01-25. Review status: criteria provided, single submitter. Criteria: Invitae Variant Classification Sherloc (09022015). Collection method: clinical testing. Allele origin: unknown.
Comment: This variant results in a copy number gain of the genomic region encompassing exon(s) 1 of the GANAB gene. This region includes the initiator codon of the gene. This copy number gain extends beyond the assayed region for this gene and therefore may encompass additional genes. As the precise location of this event is unknown, it may be in tandem or it may be located elsewhere in the genome. This variant has not been reported in the literature in individuals affected with GANAB-related conditions. In summary, the available evidence is currently insufficient to determine the role of this variant in disease. Therefore, it has been classified as a Variant of Uncertain Significance.

NC_000011.9:g.(?_62414014)_(62439586_?)dup

Genes: CSKMT (citrate synthase lysine methyltransferase; plus strand), GANAB (glucosidase II alpha subunit; minus strand), INTS5 (integrator complex subunit 5; minus strand), LBHD1 (LBH domain containing 1; minus strand), UQCC3 (ubiquinol-cytochrome c reductase complex assembly factor 3; plus strand). Cytogenetic location: 11q12.3.
Variant type: Duplication.
Identifiers: ClinVar variation 3244796 (VCV003244796.1).